The following is an entry in ClinVar:

NM_001040108.2(MLH3):c.4096A>G (p.Ile1366Val)

Gene: MLH3 (mutL homolog 3; minus strand). Cytogenetic location: 14q24.3.
Variant type: single nucleotide variant.
Coding change: c.4096A>G on transcript NM_001040108.2 (MANE Select); coding-DNA position 4096, A replaced by G.
Protein change: p.Ile1366Val; replaces isoleucine 1366 with valine.
Molecular consequence: missense variant.
Genome position (GRCh38, 1-based): chr14:75,018,975, T>C on the plus strand (A>G on the coding strand, the complement: MLH3 is on the minus strand). VCF-style: chr14-75018975-T-C. GRCh37 (hg19) VCF-style: chr14-75485678-T-C.
Other names: c.4024A>G, p.Ile1342Val (NM_014381.3); short protein forms I1366V, I1342V.
Identifiers: ClinVar variation 1737777 (VCV001737777.3), dbSNP rs1045499933, ClinGen allele CA263630990.

ClinVar aggregate classification (germline): Uncertain significance (1 of 4 stars; one submission).

Allele frequency attached by ClinVar (database versions not stated): gnomAD exomes below 0.00001; gnomAD 0.00002; TOPMed 0.00003.
gnomAD v4.1: 5 of 1,614,056 alleles (0.00031%); highest among the groups gnomAD compares: African/African-American, 0.0067%; no homozygotes.

Submission:

Ambry Genetics
Classification: Uncertain significance. Last evaluated: 2024-11-05. Review status: criteria provided, single submitter. Criteria: Ambry Variant Classification Scheme 2023. Collection method: clinical testing. Allele origin: germline.
Comment: The p.I1366V variant (also known as c.4096A>G), located in coding exon 11 of the MLH3 gene, results from an A to G substitution at nucleotide position 4096. The isoleucine at codon 1366 is replaced by valine, an amino acid with highly similar properties. This amino acid position is conserved. In addition, this alteration is predicted to be tolerated by in silico analysis. Since supporting evidence is limited at this time, the clinical significance of this alteration remains unclear.